The following is an entry in ClinVar:

ClinVar aggregate classification (germline): Conflicting classifications of pathogenicity. Review status: criteria provided, conflicting classifications (1 of 4 stars). 3 submissions from 3 submitters: Likely pathogenic (1); Uncertain significance (2). Last evaluated 2026-07-07.

Conditions:
HSPG2-related disorder. Also called: HSPG2-related condition; HSPG2-related disorders.

Allele frequency attached by ClinVar (database versions not stated): TOPMed below 0.00001; ExAC 0.00001; gnomAD exomes 0.00001.
gnomAD v4.1: 13 of 1,611,140 alleles (0.00081%); highest among the groups gnomAD compares: Admixed American, 0.0033%; no homozygotes.

Submissions (3):

PreventionGenetics, part of Exact Sciences
Classification: Likely pathogenic for HSPG2-related condition. Last evaluated: 2026-07-07. Review status: criteria provided, single submitter. Criteria: ACMG Guidelines, 2015. Collection method: clinical testing. Allele origin: germline.
Comment: The HSPG2 c.3656+5G>A variant is predicted to interfere with splicing. This variant is predicted to impact splicing based on splicing prediction programs (SpliceAI, Jaganathan et al. 2019. PubMed ID: 30661751). However, the use of computer prediction programs is not equivalent to functional evidence. To our knowledge, this variant has not been reported in the literature. An alternate variant at an adjacent nucleotide (3656+4C>T) has been reported along with a second HSPG2 variant in an individual with Schwartz-Jampel syndrome (Patient 117, Supplemental Material, Silveira et al. 2021. PubMed ID: 34529350). This variant is reported in 0.0058% of alleles in individuals of Latino descent in gnomAD. This variant is interpreted as likely pathogenic.

GeneDx
Classification: Uncertain significance. Last evaluated: 2026-02-05. Review status: criteria provided, single submitter. Criteria: GeneDx Variant Classification Process June 2021. Collection method: clinical testing. Allele origin: germline.
Comment: Intronic +5 splice site variant in a gene for which loss of function is a known mechanism of disease, and splice predictors support a deleterious effect; Has not been previously published as pathogenic or benign to our knowledge

Labcorp Genetics (formerly Invitae), Labcorp
Classification: Uncertain significance. Last evaluated: 2025-07-28. Review status: criteria provided, single submitter. Criteria: Invitae Variant Classification Sherloc (09022015). Collection method: clinical testing. Allele origin: germline.
Comment: This sequence change falls in intron 28 of the HSPG2 gene. It does not directly change the encoded amino acid sequence of the HSPG2 protein. It affects a nucleotide within the consensus splice site. This variant is present in population databases (rs755833459, gnomAD 0.006%). This variant has not been reported in the literature in individuals affected with HSPG2-related conditions. ClinVar contains an entry for this variant (Variation ID: 1521200). Variants that disrupt the consensus splice site are a relatively common cause of aberrant splicing (PMID: 17576681, 9536098). Algorithms developed to predict the effect of sequence changes on RNA splicing suggest that this variant may disrupt the consensus splice site. In summary, the available evidence is currently insufficient to determine the role of this variant in disease. Therefore, it has been classified as a Variant of Uncertain Significance.

Literature cited by the submitters: PubMed 17576681 (cited by Labcorp Genetics (formerly Invitae), Labcorp); PubMed 9536098 (cited by Labcorp Genetics (formerly Invitae), Labcorp).

NM_005529.7(HSPG2):c.3656+5G>A

Gene: HSPG2 (heparan sulfate proteoglycan 2; minus strand). Cytogenetic location: 1p36.12.
Variant type: single nucleotide variant.
Coding change: c.3656+5G>A on transcript NM_005529.7 (MANE Select); 5 bases into the intron after coding-DNA position 3656, G replaced by A.
Molecular consequence: intron variant.
Genome position (GRCh38, 1-based): chr1:21,874,401, C>T on the plus strand (G>A on the coding strand, the complement: HSPG2 is on the minus strand). VCF-style: chr1-21874401-C-T. GRCh37 (hg19) VCF-style: chr1-22200894-C-T.
Other names: c.3656+5G>A (NM_005529.6); c.3659+5G>A (NM_001291860.2).
Identifiers: ClinVar variation 1521200 (VCV001521200.8), dbSNP rs755833459, ClinGen allele CA672579.